The following is an entry in ClinVar:

ClinVar aggregate classification (germline): Uncertain significance (1 of 4 stars; one submission).

Conditions:
Immunodeficiency 97 with autoinflammation (IMD97). Identifiers: MedGen C5676946, MONDO:0030717, OMIM 619802.

gnomAD v4.1: 417 of 1,614,132 alleles (0.026%); highest among the groups gnomAD compares: Middle Eastern, 0.15%; 3 homozygotes.

Submission:

3billion
Classification: Uncertain significance for Immunodeficiency 97 with autoinflammation. Last evaluated: 2024-07-31. Review status: criteria provided, single submitter. Criteria: ACMG Guidelines, 2015. Collection method: clinical testing. Allele origin: germline. Affected: yes.
Comment: The variant is observed at an extremely low frequency in the gnomAD v4.0.0 dataset (total allele frequency: 0.026%). Predicted Consequence/Location: Missense variant Damaging effect on gene or gene product predicted by in silico programs is uncertain[REVEL: 0.63 (>=0.6, sensitivity 0.68 and specificity 0.92); 3Cnet: 0.04 (>=0.6, sensitivity 0.72 and precision 0.9)]. Therefore, this variant is classified as VUS according to the recommendation of ACMG/AMP guideline.

NM_001282426.2(PIK3CG):c.3007A>G (p.Ser1003Gly)

Gene: PIK3CG (phosphatidylinositol-4,5-bisphosphate 3-kinase catalytic subunit gamma; plus strand). Cytogenetic location: 7q22.3.
Variant type: single nucleotide variant.
Coding change: c.3007A>G on transcript NM_001282426.2 (MANE Select); coding-DNA position 3007, A replaced by G.
Protein change: p.Ser1003Gly; replaces serine 1003 with glycine.
Molecular consequence: missense variant.
Genome position (GRCh38, 1-based): chr7:106,886,269, A>G. VCF-style: chr7-106886269-A-G. GRCh37 (hg19) VCF-style: chr7-106526714-A-G.
Other names: c.3007A>G, p.Ser1003Gly (NM_001282427.2, NM_002649.3); short protein forms S1003G.
Identifiers: ClinVar variation 4293086 (VCV004293086.1).